The following is an entry in ClinVar:

NM_000478.6(ALPL):c.267G>C (p.Met89Ile)

Gene: ALPL (alkaline phosphatase, biomineralization associated; plus strand). Cytogenetic location: 1p36.12.
Variant type: single nucleotide variant.
Coding change: c.267G>C on transcript NM_000478.6 (MANE Select); coding-DNA position 267, G replaced by C.
Protein change: p.Met89Ile; replaces methionine 89 with isoleucine.
Molecular consequence: missense variant. On other transcripts: intron variant (1).
Genome position (GRCh38, 1-based): chr1:21,561,182, G>C. VCF-style: chr1-21561182-G-C. GRCh37 (hg19) VCF-style: chr1-21887675-G-C.
Other names: c.102G>C, p.Met34Ile (NM_001127501.4); c.267G>C, p.Met89Ile (NM_001369803.2, NM_001369804.2, NM_001369805.2); c.66+437G>C (NM_001177520.3); short protein forms M34I, M89I.
Identifiers: ClinVar variation 1496773 (VCV001496773.6), dbSNP rs771240396, ClinGen allele CA338878155.

ClinVar aggregate classification (germline): Uncertain significance (1 of 4 stars; one submission).

gnomAD v4.1: 1 of 1,613,204 alleles (0.000062%); highest among the groups gnomAD compares: East Asian, 0.0022%; no homozygotes.

Submission:

Labcorp Genetics (formerly Invitae), Labcorp
Classification: Uncertain significance. Last evaluated: 2021-04-06. Review status: criteria provided, single submitter. Criteria: Invitae Variant Classification Sherloc (09022015). Collection method: clinical testing. Allele origin: germline.
Comment: In summary, the available evidence is currently insufficient to determine the role of this variant in disease. Therefore, it has been classified as a Variant of Uncertain Significance. Advanced modeling of protein sequence and biophysical properties (such as structural, functional, and spatial information, amino acid conservation, physicochemical variation, residue mobility, and thermodynamic stability) performed at Invitae indicates that this missense variant is expected to disrupt ALPL protein function. This variant has not been reported in the literature in individuals with ALPL-related conditions. This variant is not present in population databases (ExAC no frequency). This sequence change replaces methionine with isoleucine at codon 89 of the ALPL protein (p.Met89Ile). The methionine residue is highly conserved and there is a small physicochemical difference between methionine and isoleucine.